The following is an entry in ClinVar:

NM_004933.3(CDH15):c.255C>T (p.Pro85=)

Gene: CDH15 (cadherin 15; plus strand). Cytogenetic location: 16q24.3.
Variant type: single nucleotide variant.
Coding change: c.255C>T on transcript NM_004933.3 (MANE Select); coding-DNA position 255, C replaced by T.
Protein change: p.Pro85=; no amino-acid change (proline 85 retained).
Molecular consequence: synonymous variant.
Genome position (GRCh38, 1-based): chr16:89,180,253, C>T. VCF-style: chr16-89180253-C-T. GRCh37 (hg19) VCF-style: chr16-89246661-C-T.
Identifiers: ClinVar variation 729340 (VCV000729340.26), dbSNP rs144216511, ClinGen allele CA8238752.

ClinVar aggregate classification (germline): Benign/Likely benign. Review status: criteria provided, multiple submitters, no conflicts (2 of 4 stars). 3 submissions from 3 submitters: Benign (1); Likely benign (2). Last evaluated 2024-11-13.

Allele frequency attached by ClinVar (database versions not stated): TOPMed 0.00008; 1000 Genomes Project 30x 0.00156; 1000 Genomes Project 0.00200.
gnomAD v4.1: 391 of 1,609,704 alleles (0.024%); highest among the groups gnomAD compares: South Asian, 0.37%; 6 homozygotes.

Submissions (3):

Blueprint Genetics
Classification: Likely benign. Last evaluated: 2024-11-13. Review status: criteria provided, single submitter. Criteria: ACMG Guidelines, 2015. Collection method: clinical testing. Allele origin: germline.

CeGaT Center for Human Genetics Tuebingen
Classification: Likely benign. Last evaluated: 2024-03-01. Review status: criteria provided, single submitter. Criteria: CeGaT Center For Human Genetics Tuebingen Variant Classification Criteria Version 2. Collection method: clinical testing. Allele origin: germline. Affected: yes. Observed: 2 variant alleles.
Comment: CDH15: BP4, BP7, BS2

Labcorp Genetics (formerly Invitae), Labcorp
Classification: Benign. Last evaluated: 2018-04-30. Review status: criteria provided, single submitter. Criteria: Invitae Variant Classification Sherloc (09022015). Collection method: clinical testing. Allele origin: germline.